The following is an entry in ClinVar:

ClinVar aggregate classification (germline): Conflicting classifications of pathogenicity. Review status: criteria provided, conflicting classifications (1 of 4 stars). 3 submissions from 3 submitters: Uncertain significance (1); Benign (1). 1 of the submissions does not count toward it. Last evaluated 2026-01-11.

Conditions:
CEP164-related disorder. Also called: CEP164-related condition.
Nephronophthisis 15 (NPHP15). Identifiers: Orphanet 3156, MedGen C3541853, MONDO:0013917, OMIM 614845.

Allele frequency attached by ClinVar (database versions not stated): ExAC 0.00004; gnomAD exomes 0.00005; gnomAD 0.00007 and 0.00009; ESP Exome Variant Server 0.00008; TOPMed 0.00008.
gnomAD v4.1: 145 of 1,613,988 alleles (0.009%); highest among the groups gnomAD compares: Middle Eastern, 0.033%; no homozygotes.

Submissions (3):

Labcorp Genetics (formerly Invitae), Labcorp
Classification: Benign for Nephronophthisis 15. Last evaluated: 2026-01-11. Review status: criteria provided, single submitter. Criteria: Invitae Variant Classification Sherloc (09022015). Collection method: clinical testing. Allele origin: germline.

Fulgent Genetics
Classification: Uncertain significance for Nephronophthisis 15. Last evaluated: 2024-02-12. Review status: criteria provided, single submitter. Criteria: ACMG Guidelines, 2015. Collection method: clinical testing. Allele origin: germline.

PreventionGenetics, part of Exact Sciences
Classification: Likely benign for CEP164-related condition. Last evaluated: 2024-08-28. Review status: no assertion criteria provided. Collection method: clinical testing. Allele origin: germline. Not counted in ClinVar's aggregate classification.
Comment: This variant is classified as likely benign based on ACMG/AMP sequence variant interpretation guidelines (Richards et al. 2015 PMID: 25741868, with internal and published modifications).

NM_014956.5(CEP164):c.4053G>A (p.Thr1351=)

Gene: CEP164 (centrosomal protein 164; plus strand). Cytogenetic location: 11q23.3.
Variant type: single nucleotide variant.
Coding change: c.4053G>A on transcript NM_014956.5 (MANE Select); coding-DNA position 4053, G replaced by A.
Protein change: p.Thr1351=; no amino-acid change (threonine 1351 retained).
Molecular consequence: synonymous variant.
Genome position (GRCh38, 1-based): chr11:117,409,922, G>A. VCF-style: chr11-117409922-G-A. GRCh37 (hg19) VCF-style: chr11-117280638-G-A.
Other names: c.4038G>A, p.Thr1346= (NM_001271933.2).
Identifiers: ClinVar variation 473086 (VCV000473086.12), dbSNP rs373842310, ClinGen allele CA6295655.
Genomic context (GRCh38, chr11:117,409,922, plus strand): 5'-CACCCAATGGGCCTGGGATTCAGGGCAGGGGCCCAGGCTCCCCTCCTCTGTGGCTCAAAC[G>A]GTGGACGACTTCCTGTTGGAGAAGTGGCGCAAGTATTTTCCATGTAAGCCCCACTCTGGG-3'
Protein context (NP_055771.4, residues 1341-1361): GPRLPSSVAQ[Thr1351=]VDDFLLEKWR